The following is an entry in ClinVar:

ClinVar aggregate classification (germline): Uncertain significance (1 of 4 stars; one submission).

gnomAD v4.1: 8 of 1,614,100 alleles (0.0005%); highest among the groups gnomAD compares: South Asian, 0.0022%; no homozygotes.

Submission:

Dasa
Classification: Uncertain significance. Last evaluated: 2024-10-23. Review status: criteria provided, single submitter. Criteria: DASA Assertion Criteria. Collection method: clinical testing. Allele origin: germline.
Comment: NM_004341.5(CAD):c.5542C>T (p.Arg1848Cys) is a missense variant that results in the substitution of arginine with cysteine. This variant is rare in population databases. Computational prediction algorithms are consistent with a deleterious effect. The currently available literature and clinical evidence are not sufficient to establish a definitive association between this variant and the reported condition. Therefore, this variant is classified as a variant of uncertain significance.

NM_004341.5(CAD):c.5542C>T (p.Arg1848Cys)

Gene: CAD (carbamoyl-phosphate synthetase 2, aspartate transcarbamylase, and dihydroorotase; plus strand). Cytogenetic location: 2p23.3.
Variant type: single nucleotide variant.
Coding change: c.5542C>T on transcript NM_004341.5 (MANE Select); coding-DNA position 5542, C replaced by T.
Protein change: p.Arg1848Cys; replaces arginine 1848 with cysteine.
Molecular consequence: missense variant.
Genome position (GRCh38, 1-based): chr2:27,240,310, C>T. VCF-style: chr2-27240310-C-T. GRCh37 (hg19) VCF-style: chr2-27463178-C-T.
Other names: c.5353C>T, p.Arg1785Cys (NM_001306079.2); short protein forms R1785C, R1848C.
Identifiers: ClinVar variation 4885381 (VCV004885381.2).